The following is an entry in ClinVar:

NM_017849.4(TMEM127):c.408G>A (p.Thr136=)

Gene: TMEM127 (transmembrane protein 127; minus strand). Cytogenetic location: 2q11.2.
Variant type: single nucleotide variant.
Coding change: c.408G>A on transcript NM_017849.4 (MANE Select); coding-DNA position 408, G replaced by A.
Protein change: p.Thr136=; no amino-acid change (threonine 136 retained).
Molecular consequence: synonymous variant.
Genome position (GRCh38, 1-based): chr2:96,254,834, C>T on the plus strand (G>A on the coding strand, the complement: TMEM127 is on the minus strand). VCF-style: chr2-96254834-C-T. GRCh37 (hg19) VCF-style: chr2-96920572-C-T.
Other names: c.408G>A, p.Thr136= (NM_001193304.3).
Identifiers: ClinVar variation 640435 (VCV000640435.13), dbSNP rs143522428, ClinGen allele CA1777325.

ClinVar aggregate classification (germline): Likely benign. Review status: criteria provided, multiple submitters, no conflicts (2 of 4 stars). 3 submissions from 3 submitters: Likely benign (2). 1 of the submissions does not count toward it. Last evaluated 2025-11-26.

Conditions:
Hereditary pheochromocytoma and paraganglioma. Also called: Hereditary Paraganglioma-Pheochromocytoma Syndromes; Hereditary paragangliomas and pheochromocytomas; Hereditary pheochromocytoma-paraganglioma. Identifiers: Orphanet 29072, MedGen C4274332, MONDO:0017366.
TMEM127-related disorder. Also called: TMEM127-related condition.
Hereditary cancer-predisposing syndrome. Also called: Neoplastic Syndromes, Hereditary; Hereditary Cancer Syndrome; Tumor predisposition; Hereditary neoplastic syndrome. Identifiers: Orphanet 140162, MedGen C0027672, MeSH D009386, MONDO:0015356.

Allele frequency attached by ClinVar (database versions not stated): 1000 Genomes Project 30x 0.00016; 1000 Genomes Project 0.00020.
gnomAD v4.1: 12 of 1,614,000 alleles (0.00074%); highest among the groups gnomAD compares: East Asian, 0.0067%; no homozygotes.

Submissions (3):

Labcorp Genetics (formerly Invitae), Labcorp
Classification: Likely benign for Hereditary pheochromocytoma and paraganglioma. Last evaluated: 2025-11-26. Review status: criteria provided, single submitter. Criteria: Invitae Variant Classification Sherloc (09022015). Collection method: clinical testing. Allele origin: germline.

Ambry Genetics
Classification: Likely benign for Hereditary cancer-predisposing syndrome. Last evaluated: 2024-01-24. Review status: criteria provided, single submitter. Criteria: Ambry Variant Classification Scheme 2023. Collection method: clinical testing. Allele origin: germline.

PreventionGenetics, part of Exact Sciences
Classification: Likely benign for TMEM127-related condition. Last evaluated: 2020-12-04. Review status: no assertion criteria provided. Collection method: clinical testing. Allele origin: germline. Not counted in ClinVar's aggregate classification.
Comment: This variant is classified as likely benign based on ACMG/AMP sequence variant interpretation guidelines (Richards et al. 2015 PMID: 25741868, with internal and published modifications).